The following is an entry in ClinVar:

NC_000005.10:g.(?_128537340)_(128537613_?)del

Gene: FBN2 (fibrillin 2; minus strand). Cytogenetic location: 5q23.3.
Variant type: Deletion.
Identifiers: ClinVar variation 832237 (VCV000832237.7).

ClinVar aggregate classification (germline): Uncertain significance (1 of 4 stars; one submission).

Conditions:
Congenital contractural arachnodactyly (CCA). Also called: BEALS SYNDROME; Beals-Hecht syndrome; Arthrogryposis, distal, type 9. Identifiers: Orphanet 115, MedGen C0220668, MONDO:0007363, OMIM 121050.

Submission:

Labcorp Genetics (formerly Invitae), Labcorp
Classification: Uncertain significance for Congenital contractural arachnodactyly. Last evaluated: 2019-05-13. Review status: criteria provided, single submitter. Criteria: Invitae Variant Classification Sherloc (09022015). Collection method: clinical testing. Allele origin: germline.
Comment: Experimental studies and prediction algorithms are not available for this variant, and the functional significance of the affected amino acid(s) is currently unknown. In summary, the available evidence is currently insufficient to determine the role of this variant in disease. Therefore, it has been classified as a Variant of Uncertain Significance. The current clinical and genetic evidence is not sufficient to establish whether loss-of-function variants in FBN2 cause disease. This variant has not been reported in the literature in individuals with FBN2-related conditions. This variant is a gross deletion of the genomic region encompassing exon 1 of the FBN2 gene, which includes the initiator codon. The 5' end of this event is unknown as it extends beyond the assayed region for this gene and therefore may encompass additional genes. The 3' boundary is likely confined to intron 1 of the FBN2 gene. This is expected to result in an absent or disrupted protein product.